The following is an entry in ClinVar:

NM_138413.4(HOGA1):c.189del (p.Lys63fs)

Gene: HOGA1 (4-hydroxy-2-oxoglutarate aldolase 1; plus strand). Cytogenetic location: 10q24.2.
Variant type: Deletion.
Coding change: c.189del on transcript NM_138413.4 (MANE Select); coding-DNA position 189, one base deleted (A; older notation c.189delA).
Protein change: p.Lys63fs; shifts the reading frame from lysine 63.
Molecular consequence: frameshift variant.
Genome position (GRCh38, 1-based): chr10:97,584,892, A deleted; the last of 3 consecutive A bases (chr10:97,584,890-97,584,892); deleting any one gives the same sequence. VCF-style (leftmost placement, unchanged base first): chr10-97584889-CA-C. GRCh37 (hg19) VCF-style: chr10-99344646-CA-C.
Other names: c.189del, p.Lys63fs (NM_001134670.2); short protein forms K63fs.
Identifiers: ClinVar variation 1070518 (VCV001070518.7), dbSNP rs1247079002, ClinGen allele CA595641433.

ClinVar aggregate classification (germline): Pathogenic/Likely pathogenic. Review status: criteria provided, multiple submitters, no conflicts (2 of 4 stars). 2 submissions from 2 submitters: Pathogenic (1); Likely pathogenic (1). Last evaluated 2026-01-24.

Conditions:
Primary hyperoxaluria type 3. Also called: PH III. Identifiers: Orphanet 416, Orphanet 93600, MedGen C3150878, MONDO:0013327, OMIM 613616. Disease mechanism: loss of function.

Submissions (2):

Labcorp Genetics (formerly Invitae), Labcorp
Classification: Pathogenic. Last evaluated: 2026-01-24. Review status: criteria provided, single submitter. Criteria: Invitae Variant Classification Sherloc (09022015). Collection method: clinical testing. Allele origin: germline.
Comment: This sequence change creates a premature translational stop signal (p.Lys63Asnfs*22) in the HOGA1 gene. It is expected to result in an absent or disrupted protein product. Loss-of-function variants in HOGA1 are known to be pathogenic (PMID: 22391140, 22781098). This variant is present in population databases (no rsID available, gnomAD 0.007%). This variant has not been reported in the literature in individuals affected with HOGA1-related conditions. ClinVar contains an entry for this variant (Variation ID: 1070518). For these reasons, this variant has been classified as Pathogenic.

Clinical Biochemistry Laboratory, Health Services Laboratory
Classification: Likely pathogenic for Primary hyperoxaluria type 3. Last evaluated: 2023-10-27. Review status: criteria provided, single submitter. Criteria: ACMG Guidelines, 2015. Collection method: curation. Allele origin: germline.
Comment: ACMG:PVS1 PM2

Literature cited by the submitters: PubMed 22391140 (cited by Labcorp Genetics (formerly Invitae), Labcorp); PubMed 22781098 (cited by Labcorp Genetics (formerly Invitae), Labcorp).